The following is an entry in ClinVar:

ClinVar aggregate classification (germline): Likely benign. Review status: criteria provided, multiple submitters, no conflicts (2 of 4 stars). 3 submissions from 3 submitters: Likely benign (3). Last evaluated 2025-09-01.

Allele frequency attached by ClinVar (database versions not stated): TOPMed 0.00009; gnomAD 0.00010; ExAC 0.00014.
gnomAD v4.1: 350 of 1,610,232 alleles (0.022%); highest among the groups gnomAD compares: Non-Finnish European, 0.028%; no homozygotes.

Submissions (3):

CeGaT Center for Human Genetics Tuebingen
Classification: Likely benign. Last evaluated: 2025-09-01. Review status: criteria provided, single submitter. Criteria: CeGaT Center For Human Genetics Tuebingen Variant Classification Criteria Version 2. Collection method: clinical testing. Allele origin: germline. Affected: yes. Observed: 1 variant allele.
Comment: CPE: BP4, BP7

Blueprint Genetics
Classification: Likely benign. Last evaluated: 2024-10-09. Review status: criteria provided, single submitter. Criteria: ACMG Guidelines, 2015. Collection method: clinical testing. Allele origin: germline.

Labcorp Genetics (formerly Invitae), Labcorp
Classification: Likely benign. Last evaluated: 2024-03-11. Review status: criteria provided, single submitter. Criteria: Invitae Variant Classification Sherloc (09022015). Collection method: clinical testing. Allele origin: germline.

NM_001873.4(CPE):c.207G>A (p.Gln69=)

Gene: CPE (carboxypeptidase E; plus strand). Cytogenetic location: 4q32.3.
Variant type: single nucleotide variant.
Coding change: c.207G>A on transcript NM_001873.4 (MANE Select); coding-DNA position 207, G replaced by A.
Protein change: p.Gln69=; no amino-acid change (glutamine 69 retained).
Molecular consequence: synonymous variant.
Genome position (GRCh38, 1-based): chr4:165,379,428, G>A. VCF-style: chr4-165379428-G-A. GRCh37 (hg19) VCF-style: chr4-166300580-G-A.
Identifiers: ClinVar variation 2742048 (VCV002742048.11), dbSNP rs770785440, ClinGen allele CA3130086.
Genomic context (GRCh38, chr4:165,379,428, plus strand): 5'-CTCCTTCGAGTACCACCGCTACCCCGAGCTGCGCGAGGCGCTCGTGTCCGTGTGGCTGCA[G>A]TGCACCGCCATCAGCAGGATTTACACGGTGGGGCGCAGCTTCGAGGGCCGGGAGCTCCTG-3'
Protein context (NP_001864.1, residues 59-79): LREALVSVWL[Gln69=]CTAISRIYTV